The following is an entry in ClinVar:

NM_005732.4(RAD50):c.1327A>G (p.Ile443Val)

Gene: RAD50 (RAD50 double strand break repair protein; plus strand). Cytogenetic location: 5q31.1.
Variant type: single nucleotide variant.
Coding change: c.1327A>G on transcript NM_005732.4 (MANE Select); coding-DNA position 1327, A replaced by G.
Protein change: p.Ile443Val; replaces isoleucine 443 with valine.
Molecular consequence: missense variant.
Genome position (GRCh38, 1-based): chr5:132,589,712, A>G. VCF-style: chr5-132589712-A-G. GRCh37 (hg19) VCF-style: chr5-131925404-A-G.
Other names: short protein forms I443V.
Identifiers: ClinVar variation 938723 (VCV000938723.12), dbSNP rs1750663361, ClinGen allele CA360943910.

ClinVar aggregate classification (germline): Uncertain significance. Review status: criteria provided, multiple submitters, no conflicts (2 of 4 stars). 2 submissions from 2 submitters: Uncertain significance (2). Last evaluated 2023-07-19.

Conditions:
Hereditary cancer-predisposing syndrome. Also called: Tumor predisposition; Hereditary neoplastic syndrome; Hereditary Cancer Syndrome; Neoplastic Syndromes, Hereditary. Identifiers: Orphanet 140162, MedGen C0027672, MeSH D009386, MONDO:0015356.

Allele frequency attached by ClinVar (database versions not stated): gnomAD exomes below 0.00001.
gnomAD v4.1: 2 of 1,613,016 alleles (0.00012%); highest among the groups gnomAD compares: Non-Finnish European, 0.00017%; no homozygotes.

Submissions (2):

Labcorp Genetics (formerly Invitae), Labcorp
Classification: Uncertain significance for Hereditary cancer-predisposing syndrome. Last evaluated: 2023-07-19. Review status: criteria provided, single submitter. Criteria: Invitae Variant Classification Sherloc (09022015). Collection method: clinical testing. Allele origin: germline.
Comment: This sequence change replaces isoleucine, which is neutral and non-polar, with valine, which is neutral and non-polar, at codon 443 of the RAD50 protein (p.Ile443Val). This variant is not present in population databases (gnomAD no frequency). This variant has not been reported in the literature in individuals affected with RAD50-related conditions. ClinVar contains an entry for this variant (Variation ID: 938723). Advanced modeling of protein sequence and biophysical properties (such as structural, functional, and spatial information, amino acid conservation, physicochemical variation, residue mobility, and thermodynamic stability) performed at Invitae indicates that this missense variant is not expected to disrupt RAD50 protein function. In summary, the available evidence is currently insufficient to determine the role of this variant in disease. Therefore, it has been classified as a Variant of Uncertain Significance.

Ambry Genetics
Classification: Uncertain significance for Hereditary cancer-predisposing syndrome. Last evaluated: 2022-05-19. Review status: criteria provided, single submitter. Criteria: Ambry Variant Classification Scheme 2023. Collection method: clinical testing. Allele origin: germline.
Comment: The p.I443V variant (also known as c.1327A>G), located in coding exon 9 of the RAD50 gene, results from an A to G substitution at nucleotide position 1327. The isoleucine at codon 443 is replaced by valine, an amino acid with highly similar properties. This amino acid position is conserved. In addition, this alteration is predicted to be tolerated by in silico analysis. Since supporting evidence is limited at this time, the clinical significance of this alteration remains unclear.